The following is an entry in ClinVar:

NM_080680.3(COL11A2):c.3999_4000delinsGC (p.Gly1334Arg)

Gene: COL11A2 (collagen type XI alpha 2 chain; minus strand). Cytogenetic location: 6p21.32.
Variant type: Indel.
Coding change: c.3999_4000delinsGC on transcript NM_080680.3 (MANE Select); coding-DNA positions 3999 to 4000, AG replaced by GC.
Protein change: p.Gly1334Arg; replaces glycine 1334 with arginine.
Molecular consequence: missense variant.
Genome position (GRCh38, 1-based): chr6:33,167,813-33,167,814, CT replaced by GC on the plus strand (AG replaced by GC on the coding strand, the reverse complement: COL11A2 is on the minus strand). VCF-style: chr6-33167813-CT-GC. GRCh37 (hg19) VCF-style: chr6-33135590-CT-GC.
Other names: c.3678_3679delinsGC, p.Gly1227Arg (NM_080679.3); c.3741_3742delinsGC, p.Gly1248Arg (NM_080681.3); short protein forms G1334R, G1227R, G1248R.
Identifiers: ClinVar variation 197984 (VCV000197984.13), dbSNP rs797044765, ClinGen allele CA246421.

ClinVar aggregate classification (germline): Uncertain significance. Review status: criteria provided, multiple submitters, no conflicts (2 of 4 stars). 2 submissions from 2 submitters: Uncertain significance (2). Last evaluated 2025-08-19.

Submissions (2):

Labcorp Genetics (formerly Invitae), Labcorp
Classification: Uncertain significance. Last evaluated: 2025-08-19. Review status: criteria provided, single submitter. Criteria: Invitae Variant Classification Sherloc (09022015). Collection method: clinical testing. Allele origin: germline.
Comment: This sequence change replaces glycine, which is neutral and non-polar, with arginine, which is basic and polar, at codon 1334 of the COL11A2 protein (p.Gly1334Arg). Information on the frequency of this variant in the gnomAD database is not available, as this variant may be reported differently in the database. This variant has not been reported in the literature in individuals affected with COL11A2-related conditions. ClinVar contains an entry for this variant (Variation ID: 197984). Experimental studies and prediction algorithms are not available or were not evaluated, and the functional significance of this variant is currently unknown. In summary, the available evidence is currently insufficient to determine the role of this variant in disease. Therefore, it has been classified as a Variant of Uncertain Significance.

Eurofins Ntd Llc (ga)
Classification: Uncertain significance. Last evaluated: 2014-12-16. Review status: criteria provided, single submitter. Criteria: EGL Classification Definitions 2015. Collection method: clinical testing. Allele origin: germline. Observed: 1 variant allele, 1 heterozygote.